The following is an entry in ClinVar:

NM_000451.4(SHOX):c.266G>T (p.Arg89Ile)

Gene: SHOX (SHOX homeobox; plus strand). Cytogenetic location: Xp22.33.
Variant type: single nucleotide variant.
Coding change: c.266G>T on transcript NM_000451.4 (MANE Select); coding-DNA position 266, G replaced by T.
Protein change: p.Arg89Ile; replaces arginine 89 with isoleucine.
Molecular consequence: missense variant.
Genome position (GRCh38, 1-based): chrX:631,163, G>T. VCF-style: chrX-631163-G-T. GRCh37 (hg19) VCF-style: chrX-591898-G-T.
Other names: c.266G>T, p.Arg89Ile (NM_006883.2); short protein forms R89I.
Identifiers: ClinVar variation 3378144 (VCV003378144.1).
Genomic context (GRCh38, chrX:631,163, plus strand): 5'-ATTTGTTCAAGGACCACGTAGACAATGACAAGGAGAAACTGAAAGAATTCGGCACCGCGA[G>T]AGTGGCAGAAGGTAAGTTCCTTTGCGCTCCGGCTCCAGGGGGGCCCTCCTGGGGTTCGGC-3'
Protein context (NP_000442.1, residues 79-99): KEKLKEFGTA[Arg89Ile]VAEGIYECKE

ClinVar aggregate classification (germline): Uncertain significance (1 of 4 stars; one submission).

Submission:

GeneDx
Classification: Uncertain significance. Last evaluated: 2024-05-09. Review status: criteria provided, single submitter. Criteria: GeneDx Variant Classification Process June 2021. Collection method: clinical testing. Allele origin: germline. Affected: yes.
Comment: Not observed at significant frequency in large population cohorts (gnomAD); In silico analysis supports that this missense variant has a deleterious effect on protein structure/function; Has not been previously published as pathogenic or benign to our knowledge